The following is an entry in ClinVar:

ClinVar aggregate classification (germline): Benign. Review status: criteria provided, multiple submitters, no conflicts (2 of 4 stars). 3 submissions from 3 submitters: Benign (2). 1 of the submissions does not count toward it. Last evaluated 2026-02-03.

Conditions:
PLXNA2-related disorder. Also called: PLXNA2-related condition.

Allele frequency attached by ClinVar (database versions not stated): TOPMed 0.33698; ESP Exome Variant Server 0.33531; gnomAD 0.33832; 1000 Genomes Project 0.36721; 1000 Genomes Project 30x 0.37071.
gnomAD v4.1: 543,367 of 1,611,636 alleles (34%); highest among the groups gnomAD compares: East Asian, 45%; 92,827 homozygotes.

Submissions (3):

Labcorp Genetics (formerly Invitae), Labcorp
Classification: Benign. Last evaluated: 2026-02-03. Review status: criteria provided, single submitter. Criteria: Invitae Variant Classification Sherloc (09022015). Collection method: clinical testing. Allele origin: germline.

Breakthrough Genomics
Classification: Benign. Review status: criteria provided, single submitter. Criteria: ACMG Guidelines, 2015. Collection method: not provided. Allele origin: germline. Inheritance: Unknown mechanism. Affected: yes.

PreventionGenetics, part of Exact Sciences
Classification: Benign for PLXNA2-related condition. Last evaluated: 2022-04-11. Review status: no assertion criteria provided. Collection method: clinical testing. Allele origin: germline. Not counted in ClinVar's aggregate classification.
Comment: This variant is classified as benign based on ACMG/AMP sequence variant interpretation guidelines (Richards et al. 2015 PMID: 25741868, with internal and published modifications).

NM_025179.4(PLXNA2):c.1182C>G (p.Thr394=)

Gene: PLXNA2 (plexin A2; minus strand). Cytogenetic location: 1q32.2.
Variant type: single nucleotide variant.
Coding change: c.1182C>G on transcript NM_025179.4 (MANE Select); coding-DNA position 1182, C replaced by G.
Protein change: p.Thr394=; no amino-acid change (threonine 394 retained).
Molecular consequence: synonymous variant.
Genome position (GRCh38, 1-based): chr1:208,216,741, G>C on the plus strand (C>G on the coding strand, the complement: PLXNA2 is on the minus strand). VCF-style: chr1-208216741-G-C. GRCh37 (hg19) VCF-style: chr1-208390086-G-C.
Other names: c.1182C>G (NM_025179.3).
Identifiers: ClinVar variation 1164721 (VCV001164721.12), dbSNP rs1664227, ClinGen allele CA1373957.